The following is an entry in ClinVar:

NM_001036.6(RYR3):c.13197G>C (p.Gln4399His)

Gene: RYR3 (ryanodine receptor 3; plus strand). Cytogenetic location: 15q14.
Variant type: single nucleotide variant.
Coding change: c.13197G>C on transcript NM_001036.6 (MANE Select); coding-DNA position 13197, G replaced by C.
Protein change: p.Gln4399His; replaces glutamine 4399 with histidine.
Molecular consequence: missense variant.
Genome position (GRCh38, 1-based): chr15:33,842,023, G>C. VCF-style: chr15-33842023-G-C. GRCh37 (hg19) VCF-style: chr15-34134224-G-C.
Other names: c.13182G>C, p.Gln4394His (NM_001243996.4); short protein forms Q4394H, Q4399H.
Identifiers: ClinVar variation 931736 (VCV000931736.3), dbSNP rs772448824, ClinGen allele CA391597540.

ClinVar aggregate classification (germline): Uncertain significance (1 of 4 stars; one submission).

Allele frequency attached by ClinVar (database versions not stated): TOPMed 0.00001; gnomAD 0.00001.
gnomAD v4.1: 5 of 1,599,814 alleles (0.00031%); highest among the groups gnomAD compares: South Asian, 0.0023%; no homozygotes.

Submission:

Centre for Mendelian Genomics, University Medical Centre Ljubljana
Classification: Uncertain significance. Last evaluated: 2019-08-23. Review status: criteria provided, single submitter. Criteria: ACMG Guidelines, 2015. Collection method: clinical testing. Allele origin: unknown. Affected: yes.
Comment: This variant was classified as: Uncertain significance. The available evidence on this variant's pathogenicity is insufficient or conflicting. The following ACMG criteria were applied in classifying this variant: PM2.PP3,BP1.